The following is an entry in ClinVar:

NM_025103.4(IFT74):c.1150A>G (p.Lys384Glu)

Gene: IFT74 (intraflagellar transport 74; plus strand). Cytogenetic location: 9p21.2.
Variant type: single nucleotide variant.
Coding change: c.1150A>G on transcript NM_025103.4 (MANE Select); coding-DNA position 1150, A replaced by G.
Protein change: p.Lys384Glu; replaces lysine 384 with glutamic acid.
Molecular consequence: missense variant.
Genome position (GRCh38, 1-based): chr9:27,047,315, A>G. VCF-style: chr9-27047315-A-G. GRCh37 (hg19) VCF-style: chr9-27047313-A-G.
Other names: c.1150A>G, p.Lys384Glu (NM_001099222.3, NM_001099223.3, NM_001349928.2); c.1150A>G (NM_025103.2); short protein forms K384E.
Identifiers: ClinVar variation 2067991 (VCV002067991.2), dbSNP rs767969051, ClinGen allele CA5015580.

ClinVar aggregate classification (germline): Uncertain significance. Review status: criteria provided, multiple submitters, no conflicts (2 of 4 stars). 2 submissions from 2 submitters: Uncertain significance (2). Last evaluated 2026-06-23.

Conditions:
IFT74-related disorder. Also called: IFT74-related condition; IFT74-Related Disorders.

Allele frequency attached by ClinVar (database versions not stated): gnomAD exomes below 0.00001; gnomAD 0.00001; ExAC 0.00002; TOPMed 0.00003.
gnomAD v4.1: 8 of 1,613,426 alleles (0.0005%); highest among the groups gnomAD compares: African/African-American, 0.011%; no homozygotes.

Submissions (2):

PreventionGenetics, part of Exact Sciences
Classification: Uncertain significance for IFT74-related condition. Last evaluated: 2026-06-23. Review status: criteria provided, single submitter. Criteria: ACMG Guidelines, 2015. Collection method: clinical testing. Allele origin: germline.
Comment: The IFT74 c.1150A>G variant is predicted to result in the amino acid substitution p.Lys384Glu. To our knowledge, this variant has not been reported in the literature. This variant is reported in 0.017% of alleles in individuals of African descent in gnomAD. At this time, the clinical significance of this variant is uncertain due to the absence of conclusive functional and genetic evidence.

Labcorp Genetics (formerly Invitae), Labcorp
Classification: Uncertain significance. Last evaluated: 2022-02-19. Review status: criteria provided, single submitter. Criteria: Invitae Variant Classification Sherloc (09022015). Collection method: clinical testing. Allele origin: germline.
Comment: This sequence change replaces lysine, which is basic and polar, with glutamic acid, which is acidic and polar, at codon 384 of the IFT74 protein (p.Lys384Glu). This variant is present in population databases (rs767969051, gnomAD 0.02%). This variant has not been reported in the literature in individuals affected with IFT74-related conditions. Algorithms developed to predict the effect of missense changes on protein structure and function output the following: SIFT: "Tolerated"; PolyPhen-2: "Benign"; Align-GVGD: "Class C0". The glutamic acid amino acid residue is found in multiple mammalian species, which suggests that this missense change does not adversely affect protein function. In summary, the available evidence is currently insufficient to determine the role of this variant in disease. Therefore, it has been classified as a Variant of Uncertain Significance.